The following is an entry in ClinVar:

NM_000059.4(BRCA2):c.2239G>T (p.Glu747Ter)

Gene: BRCA2 (BRCA2 DNA repair associated; plus strand). Cytogenetic location: 13q13.1.
Variant type: single nucleotide variant.
Coding change: c.2239G>T on transcript NM_000059.4 (MANE Select); coding-DNA position 2239, G replaced by T.
Protein change: p.Glu747Ter; replaces glutamic acid 747 with a stop codon.
Molecular consequence: nonsense.
Genome position (GRCh38, 1-based): chr13:32,336,594, G>T. VCF-style: chr13-32336594-G-T. GRCh37 (hg19) VCF-style: chr13-32910731-G-T.
Other names: short protein forms E747*.
Identifiers: ClinVar variation 236837 (VCV000236837.9), dbSNP rs878853561, ClinGen allele CA10583079.

ClinVar aggregate classification (germline): Pathogenic. Review status: reviewed by expert panel (3 of 4 stars). 3 submissions from 3 submitters: Pathogenic (1). 2 of the submissions do not count toward it. Last evaluated 2017-12-15.

Conditions:
Hereditary cancer-predisposing syndrome. Also called: Tumor predisposition; Hereditary Cancer Syndrome; Hereditary neoplastic syndrome; Neoplastic Syndromes, Hereditary. Identifiers: Orphanet 140162, MedGen C0027672, MeSH D009386, MONDO:0015356.
Hereditary breast ovarian cancer syndrome. Also called: Hereditary breast and ovarian cancer; Breast and ovarian cancer; BRCA1- and BRCA2-Associated Hereditary Breast and Ovarian Cancer; Hereditary breast and ovarian cancer syndrome; Hereditary breast and ovarian cancer syndrome (HBOC); Hereditary breast and/or ovarian cancer syndrome. Identifiers: Orphanet 145, MedGen C0677776, MeSH D061325, MONDO:0003582. Disease mechanism: loss of function.
Breast-ovarian cancer, familial, susceptibility to, 2 (BROVCA2). Also called: BRCA2 Hereditary Breast and Ovarian Cancer. Identifiers: Orphanet 145, MedGen C2675520, MONDO:0012933, OMIM 612555. Disease mechanism: loss of function.

Submissions (3):

Evidence-based Network for the Interpretation of Germline Mutant Alleles (ENIGMA)
Classification: Pathogenic for Breast-ovarian cancer, familial, susceptibility to, 2. Last evaluated: 2017-12-15. Review status: reviewed by expert panel. Criteria: ENIGMA BRCA1/2 Classification Criteria (2017-06-29). Collection method: curation. Allele origin: germline. Study: ENIGMA.
Comment: Variant allele predicted to encode a truncated non-functional protein.

Labcorp Genetics (formerly Invitae), Labcorp
Classification: Pathogenic for Hereditary breast ovarian cancer syndrome. Last evaluated: 2025-12-21. Review status: criteria provided, single submitter. Criteria: Invitae Variant Classification Sherloc (09022015). Collection method: clinical testing. Allele origin: germline. Not counted in ClinVar's aggregate classification.
Comment: This sequence change creates a premature translational stop signal (p.Glu747*) in the BRCA2 gene. It is expected to result in an absent or disrupted protein product. Loss-of-function variants in BRCA2 are known to be pathogenic (PMID: 20104584). This variant is not present in population databases (gnomAD no frequency). This variant has not been reported in the literature in individuals affected with BRCA2-related conditions. ClinVar contains an entry for this variant (Variation ID: 236837). For these reasons, this variant has been classified as Pathogenic.

Ambry Genetics
Classification: Pathogenic for Hereditary cancer-predisposing syndrome. Last evaluated: 2023-11-13. Review status: criteria provided, single submitter. Criteria: Ambry Variant Classification Scheme 2023. Collection method: clinical testing. Allele origin: germline. Not counted in ClinVar's aggregate classification.
Comment: The p.E747* pathogenic mutation (also known as c.2239G>T), located in coding exon 10 of the BRCA2 gene, results from a G to T substitution at nucleotide position 2239. This changes the amino acid from a glutamic acid to a stop codon within coding exon 10. This variant is considered to be rare based on population cohorts in the Genome Aggregation Database (gnomAD). This alteration is expected to result in loss of function by premature protein truncation or nonsense-mediated mRNA decay. As such, this alteration is interpreted as a disease-causing mutation.

Literature cited by the submitters: PubMed 20104584 (cited by Labcorp Genetics (formerly Invitae), Labcorp).